The following is an entry in ClinVar:

ClinVar aggregate classification (germline): Uncertain significance (1 of 4 stars; one submission).

Conditions:
Hereditary cancer-predisposing syndrome. Also called: Neoplastic Syndromes, Hereditary; Tumor predisposition; Hereditary Cancer Syndrome; Hereditary neoplastic syndrome. Identifiers: Orphanet 140162, MedGen C0027672, MeSH D009386, MONDO:0015356.

gnomAD v4.1: 1 of 1,613,248 alleles (0.000062%); highest among the groups gnomAD compares: Non-Finnish European, 0.000085%; no homozygotes.

Submission:

Ambry Genetics
Classification: Uncertain significance for Hereditary cancer-predisposing syndrome. Last evaluated: 2025-11-05. Review status: criteria provided, single submitter. Criteria: Ambry Variant Classification Scheme 2023. Collection method: clinical testing. Allele origin: germline.
Comment: The c.48+5C>G intronic variant results from a C to G substitution 5 nucleotides after coding exon 1 in the PALB2 gene. This nucleotide position is not well conserved in available vertebrate species. In silico splice site analysis predicts that this alteration will not have any significant effect on splicing. Based on the available evidence, the clinical significance of this variant remains unclear.

NM_024675.4(PALB2):c.48+5C>G

Gene: PALB2 (partner and localizer of BRCA2; minus strand). Cytogenetic location: 16p12.2.
Variant type: single nucleotide variant.
Coding change: c.48+5C>G on transcript NM_024675.4 (MANE Select); 5 bases into the intron after coding-DNA position 48, C replaced by G.
Molecular consequence: intron variant. On other transcripts: 5 prime UTR variant (2).
Genome position (GRCh38, 1-based): chr16:23,641,105, G>C on the plus strand (C>G on the coding strand, the complement: PALB2 is on the minus strand). VCF-style: chr16-23641105-G-C. GRCh37 (hg19) VCF-style: chr16-23652426-G-C.
Other names: c.-1691C>G (NM_001407304.1, NM_001407310.1); c.-838+22C>G (NM_001407308.1, NM_001407306.1); c.48+5C>G (NM_001407314.1, NM_001407296.1, NM_001407297.1 and 5 more transcripts); c.-105+5C>G (NM_001407313.1, NM_001407312.1); c.-972+5C>G (NM_001407307.1, NM_001407309.1, NM_001407311.1 and 1 more transcripts).
Identifiers: ClinVar variation 4663996 (VCV004663996.1).